The following is an entry in ClinVar:

ClinVar aggregate classification (germline): Likely pathogenic (1 of 4 stars; one submission).

Submission:

Labcorp Genetics (formerly Invitae), Labcorp
Classification: Likely pathogenic. Last evaluated: 2024-02-14. Review status: criteria provided, single submitter. Criteria: Invitae Variant Classification Sherloc (09022015). Collection method: clinical testing. Allele origin: germline.
Comment: This variant results in the deletion of part of exon 25 of the LAMC3 gene. It is expected to disrupt RNA splicing. Variants that disrupt the donor or acceptor splice site typically lead to a loss of protein function (PMID: 16199547), and loss-of-function variants in LAMC3 are known to be pathogenic (PMID: 21572413, 26802095). This variant is not present in population databases (gnomAD no frequency). This variant has not been reported in the literature in individuals affected with LAMC3-related conditions. In summary, the currently available evidence indicates that the variant is pathogenic, but additional data are needed to prove that conclusively. Therefore, this variant has been classified as Likely Pathogenic.

Literature cited by the submitters: PubMed 16199547; PubMed 21572413; PubMed 26802095.

NM_006059.4(LAMC3):c.4228_4230+9del

Gene: LAMC3 (laminin subunit gamma 3; plus strand). Cytogenetic location: 9q34.12.
Variant type: Deletion.
Coding change: c.4228_4230+9del on transcript NM_006059.4 (MANE Select); coding-DNA position 4228 through 9 bases into the intron after coding-DNA position 4230, 12 bases deleted (AAGGTCAGGGTG).
Molecular consequence: splice donor variant.
Genome position (GRCh38, 1-based): chr9:131,085,721-131,085,732, AAGGTCAGGGTG deleted. VCF-style (leftmost placement, unchanged base first): chr9-131085720-CAAGGTCAGGGTG-C. GRCh37 (hg19) VCF-style: chr9-133961107-CAAGGTCAGGGTG-C.
Identifiers: ClinVar variation 3619464 (VCV003619464.2).